The following is an entry in ClinVar:

ClinVar aggregate classification (germline): Conflicting classifications of pathogenicity. Review status: criteria provided, conflicting classifications (1 of 4 stars). 7 submissions from 7 submitters: Uncertain significance (3); Likely benign (2). 2 of the submissions do not count toward it. Last evaluated 2026-01-26.

Conditions:
Cholestanol storage disease (CTX). Also called: CEREBRAL CHOLESTERINOSIS; Cerebrotendinous Xanthomatosis; CTX: Cerebrotendinous xanthomatosis. Identifiers: Orphanet 909, MedGen C0238052, MONDO:0008948, OMIM 213700.
CYP27A1-related disorder. Also called: CYP27A1-related condition.

Allele frequency attached by ClinVar (database versions not stated): gnomAD exomes 0.00008; 1000 Genomes Project 0.00040; 1000 Genomes Project 30x 0.00047; TOPMed 0.00075; gnomAD 0.00083; ESP Exome Variant Server 0.00092.

Submissions (7):

Labcorp Genetics (formerly Invitae), Labcorp
Classification: Likely benign for Cholestanol storage disease. Last evaluated: 2026-01-26. Review status: criteria provided, single submitter. Criteria: Invitae Variant Classification Sherloc (09022015). Collection method: clinical testing. Allele origin: germline.

Mayo Clinic Laboratories, Mayo Clinic
Classification: Likely benign. Last evaluated: 2025-07-30. Review status: criteria provided, single submitter. Criteria: ACMG Guidelines, 2015. Collection method: clinical testing. Allele origin: germline. Observed: 2 variant alleles.
Comment: BS1, BP4

GeneDx
Classification: Uncertain significance. Last evaluated: 2025-07-03. Review status: criteria provided, single submitter. Criteria: GeneDx Variant Classification Process June 2021. Collection method: clinical testing. Allele origin: germline. Affected: yes.
Comment: In silico analysis suggests that this missense variant does not alter protein structure/function; Has not been previously published as pathogenic or benign to our knowledge

Eurofins Ntd Llc (ga)
Classification: Uncertain significance. Last evaluated: 2018-03-22. Review status: criteria provided, single submitter. Criteria: EGL ClinVar v180209 classification definitions. Collection method: clinical testing. Allele origin: germline. Observed: 4 variant alleles, 4 heterozygotes.

Illumina Laboratory Services, Illumina
Classification: Uncertain significance for Cholestanol storage disease. Last evaluated: 2018-01-12. Review status: criteria provided, single submitter. Criteria: ICSL Variant Classification Criteria 13 December 2019. Collection method: clinical testing. Allele origin: germline.

PreventionGenetics, part of Exact Sciences
Classification: Likely benign for CYP27A1-related condition. Last evaluated: 2022-10-18. Review status: no assertion criteria provided. Collection method: clinical testing. Allele origin: germline. Not counted in ClinVar's aggregate classification.
Comment: This variant is classified as likely benign based on ACMG/AMP sequence variant interpretation guidelines (Richards et al. 2015 PMID: 25741868, with internal and published modifications).

Natera, Inc.
Classification: Uncertain significance for Cerebrotendinous xanthomatosis. Last evaluated: 2020-01-17. Review status: no assertion criteria provided. Collection method: clinical testing. Allele origin: germline. Not counted in ClinVar's aggregate classification.

NM_000784.4(CYP27A1):c.703G>A (p.Glu235Lys)

Gene: CYP27A1 (cytochrome P450 family 27 subfamily A member 1; plus strand). Cytogenetic location: 2q35.
Variant type: single nucleotide variant.
Coding change: c.703G>A on transcript NM_000784.4 (MANE Select); coding-DNA position 703, G replaced by A.
Protein change: p.Glu235Lys; replaces glutamic acid 235 with lysine.
Molecular consequence: missense variant.
Genome position (GRCh38, 1-based): chr2:218,812,608, G>A. VCF-style: chr2-218812608-G-A. GRCh37 (hg19) VCF-style: chr2-219677331-G-A.
Other names: p.Glu235Lys; short protein forms E235K.
Identifiers: ClinVar variation 334368 (VCV000334368.27), dbSNP rs149897566, ClinGen allele CA2112698.